The following is an entry in ClinVar:

NM_020376.4(PNPLA2):c.1364C>T (p.Pro455Leu)

Gene: PNPLA2 (patatin like domain 2, triacylglycerol lipase; plus strand). Cytogenetic location: 11p15.5.
Variant type: single nucleotide variant.
Coding change: c.1364C>T on transcript NM_020376.4 (MANE Select); coding-DNA position 1364, C replaced by T.
Protein change: p.Pro455Leu; replaces proline 455 with leucine.
Molecular consequence: missense variant.
Genome position (GRCh38, 1-based): chr11:824,711, C>T. VCF-style: chr11-824711-C-T. GRCh37 (hg19) VCF-style: chr11-824711-C-T.
Other names: short protein forms P455L.
Identifiers: ClinVar variation 945261 (VCV000945261.1), dbSNP rs187668158, ClinGen allele CA378985291.

ClinVar aggregate classification (germline): Uncertain significance (1 of 4 stars; one submission).

Conditions:
Neutral lipid storage myopathy (NLSDM). Also called: NEUTRAL LIPID STORAGE DISEASE WITHOUT ICHTHYOSIS. Identifiers: Orphanet 98908, MedGen C1853136, MONDO:0012545, OMIM 610717.

Allele frequency attached by ClinVar (database versions not stated): TOPMed 0.00001.
gnomAD v4.1: 3 of 1,590,286 alleles (0.00019%); highest among the groups gnomAD compares: South Asian, 0.0022%; no homozygotes.

Submission:

Labcorp Genetics (formerly Invitae), Labcorp
Classification: Uncertain significance for Neutral lipid storage myopathy. Last evaluated: 2019-05-31. Review status: criteria provided, single submitter. Criteria: Invitae Variant Classification Sherloc (09022015). Collection method: clinical testing. Allele origin: germline.
Comment: This sequence change replaces proline with leucine at codon 455 of the PNPLA2 protein (p.Pro455Leu). The proline residue is moderately conserved and there is a moderate physicochemical difference between proline and leucine. This variant is not present in population databases (ExAC no frequency). This variant has not been reported in the literature in individuals with PNPLA2-related conditions. Algorithms developed to predict the effect of missense changes on protein structure and function are either unavailable or do not agree on the potential impact of this missense change (SIFT: "Tolerated"; PolyPhen-2: "Probably Damaging"; Align-GVGD: "Class C0"). In summary, the available evidence is currently insufficient to determine the role of this variant in disease. Therefore, it has been classified as a Variant of Uncertain Significance.